The following is an entry in ClinVar:

NM_000321.3(RB1):c.2623C>T (p.Leu875=)

Gene: RB1 (RB transcriptional corepressor 1; plus strand). Cytogenetic location: 13q14.2.
Variant type: single nucleotide variant.
Coding change: c.2623C>T on transcript NM_000321.3 (MANE Select); coding-DNA position 2623, C replaced by T.
Protein change: p.Leu875=; no amino-acid change (leucine 875 retained).
Molecular consequence: synonymous variant.
Genome position (GRCh38, 1-based): chr13:48,476,803, C>T. VCF-style: chr13-48476803-C-T. GRCh37 (hg19) VCF-style: chr13-49050939-C-T.
Other names: c.2623C>T (NM_000321.2).
Identifiers: ClinVar variation 1128497 (VCV001128497.11), dbSNP rs1381671623, ClinGen allele CA483561098.

ClinVar aggregate classification (germline): Benign/Likely benign. Review status: criteria provided, multiple submitters, no conflicts (2 of 4 stars). 3 submissions from 3 submitters: Benign (1); Likely benign (2). Last evaluated 2026-06-25.

Conditions:
Hereditary cancer-predisposing syndrome. Also called: Neoplastic Syndromes, Hereditary; Tumor predisposition; Hereditary Cancer Syndrome; Hereditary neoplastic syndrome. Identifiers: Orphanet 140162, MedGen C0027672, MeSH D009386, MONDO:0015356.
Retinoblastoma (RB1). Also called: RETINOBLASTOMA, SOMATIC. Identifiers: Orphanet 790, MedGen C0035335, MeSH D012175, MONDO:0008380, OMIM 180200, HP:0009919. Disease mechanism: loss of function. Inheritance: Both sporadic and heritable forms are tested..

Allele frequency attached by ClinVar (database versions not stated): gnomAD 0.00001; gnomAD exomes below 0.00001 and 0.00001.
gnomAD v4.1: 9 of 1,613,586 alleles (0.00056%); highest among the groups gnomAD compares: Non-Finnish European, 0.00076%; no homozygotes.

Submissions (3):

Myriad Genetics, Inc.
Classification: Benign for Retinoblastoma. Last evaluated: 2026-06-25. Review status: criteria provided, single submitter. Criteria: Myriad Autosomal Dominant, Autosomal Recessive and X-Linked Classification Criteria (2023). Collection method: clinical testing. Allele origin: unknown.
Comment: This variant is considered benign. This variant is a silent/synonymous amino acid change and it is not expected to impact splicing.

Ambry Genetics
Classification: Likely benign for Hereditary cancer-predisposing syndrome. Last evaluated: 2024-06-06. Review status: criteria provided, single submitter. Criteria: Ambry Variant Classification Scheme 2023. Collection method: clinical testing. Allele origin: germline.

Labcorp Genetics (formerly Invitae), Labcorp
Classification: Likely benign for Retinoblastoma. Last evaluated: 2020-04-20. Review status: criteria provided, single submitter. Criteria: Invitae Variant Classification Sherloc (09022015). Collection method: clinical testing. Allele origin: germline.